The following is an entry in ClinVar:

NM_001242896.3(DEPDC5):c.1226C>G (p.Thr409Arg)

Gene: DEPDC5 (DEP domain containing 5, GATOR1 subcomplex subunit; plus strand). Cytogenetic location: 22q12.3.
Variant type: single nucleotide variant.
Coding change: c.1226C>G on transcript NM_001242896.3 (MANE Select); coding-DNA position 1226, C replaced by G.
Protein change: p.Thr409Arg; replaces threonine 409 with arginine.
Molecular consequence: missense variant. On other transcripts: non-coding transcript variant (5).
Genome position (GRCh38, 1-based): chr22:31,806,130, C>G. VCF-style: chr22-31806130-C-G. GRCh37 (hg19) VCF-style: chr22-32202116-C-G.
Other names: c.1226C>G, p.Thr409Arg (NM_001007188.4, NM_001136029.4, NM_001242897.2 and 7 more transcripts); c.1142C>G, p.Thr381Arg (NM_001369901.1, NM_001369902.1); short protein forms T409R, T381R.
Identifiers: ClinVar variation 493340 (VCV000493340.49), dbSNP rs773704927, ClinGen allele CA10196287.

ClinVar aggregate classification (germline): Uncertain significance. Review status: criteria provided, multiple submitters, no conflicts (2 of 4 stars). 2 submissions from 2 submitters: Uncertain significance (2). Last evaluated 2025-01-07.

Conditions:
Familial focal epilepsy with variable foci (FPEVF). Identifiers: Orphanet 98820, MedGen C1858477, MONDO:0020310.

Allele frequency attached by ClinVar (database versions not stated): ExAC 0.00001; TOPMed 0.00003; gnomAD 0.00004.
gnomAD v4.1: 14 of 1,613,348 alleles (0.00087%); highest among the groups gnomAD compares: Non-Finnish European, 0.0012%; no homozygotes.

Submissions (2):

Labcorp Genetics (formerly Invitae), Labcorp
Classification: Uncertain significance for Familial focal epilepsy with variable foci. Last evaluated: 2025-01-07. Review status: criteria provided, single submitter. Criteria: Invitae Variant Classification Sherloc (09022015). Collection method: clinical testing. Allele origin: germline.
Comment: This sequence change replaces threonine, which is neutral and polar, with arginine, which is basic and polar, at codon 409 of the DEPDC5 protein (p.Thr409Arg). This variant is present in population databases (rs773704927, gnomAD 0.009%). This variant has not been reported in the literature in individuals affected with DEPDC5-related conditions. ClinVar contains an entry for this variant (Variation ID: 493340). Experimental studies and prediction algorithms are not available or were not evaluated, and the functional significance of this variant is currently unknown. In summary, the available evidence is currently insufficient to determine the role of this variant in disease. Therefore, it has been classified as a Variant of Uncertain Significance.

CeGaT Center for Human Genetics Tuebingen
Classification: Uncertain significance. Last evaluated: 2017-10-01. Review status: criteria provided, single submitter. Criteria: CeGaT Center For Human Genetics Tuebingen Variant Classification Criteria Version 2. Collection method: clinical testing. Allele origin: germline. Affected: yes. Observed: 1 variant allele.